The following is an entry in ClinVar:

ClinVar aggregate classification (germline): Benign/Likely benign. Review status: criteria provided, multiple submitters, no conflicts (2 of 4 stars). 4 submissions from 4 submitters: Benign (1); Likely benign (3). Last evaluated 2026-01-19.

Conditions:
Hereditary cancer-predisposing syndrome. Also called: Tumor predisposition; Neoplastic Syndromes, Hereditary; Hereditary Cancer Syndrome; Hereditary neoplastic syndrome. Identifiers: Orphanet 140162, MedGen C0027672, MeSH D009386, MONDO:0015356.
Hereditary diffuse gastric adenocarcinoma (HDGC). Also called: DIFFUSE GASTRIC AND LOBULAR BREAST CANCER SYNDROME. Identifiers: Orphanet 26106, MedGen C1708349, MONDO:0007648, OMIM 137215.

Allele frequency attached by ClinVar (database versions not stated): ExAC 0.00001; gnomAD exomes 0.00002; gnomAD 0.00003; TOPMed 0.00003.
gnomAD v4.1: 43 of 1,614,082 alleles (0.0027%); highest among the groups gnomAD compares: Non-Finnish European, 0.0031%; no homozygotes.

Submissions (4):

Labcorp Genetics (formerly Invitae), Labcorp
Classification: Likely benign. Last evaluated: 2026-01-19. Review status: criteria provided, single submitter. Criteria: Invitae Variant Classification Sherloc (09022015). Collection method: clinical testing. Allele origin: germline.

Myriad Genetics, Inc.
Classification: Benign for Hereditary diffuse gastric adenocarcinoma. Last evaluated: 2024-10-15. Review status: criteria provided, single submitter. Criteria: Myriad Autosomal Dominant, Autosomal Recessive and X-Linked Classification Criteria (2023). Collection method: clinical testing. Allele origin: unknown.
Comment: This variant is considered benign. This variant is a silent/synonymous amino acid change and it is not expected to impact splicing.

Blueprint Genetics
Classification: Likely benign. Last evaluated: 2023-09-06. Review status: criteria provided, single submitter. Criteria: ACMG Guidelines, 2015. Collection method: clinical testing. Allele origin: germline.

Ambry Genetics
Classification: Likely benign for Hereditary cancer-predisposing syndrome. Last evaluated: 2021-07-14. Review status: criteria provided, single submitter. Criteria: Ambry Variant Classification Scheme 2023. Collection method: clinical testing. Allele origin: germline.

NM_001903.5(CTNNA1):c.2517C>T (p.Ala839=)

Gene: CTNNA1 (catenin alpha 1; plus strand). Cytogenetic location: 5q31.2.
Variant type: single nucleotide variant.
Coding change: c.2517C>T on transcript NM_001903.5 (MANE Select); coding-DNA position 2517, C replaced by T.
Protein change: p.Ala839=; no amino-acid change (alanine 839 retained).
Molecular consequence: synonymous variant. On other transcripts: 3 prime UTR variant (5).
Genome position (GRCh38, 1-based): chr5:138,933,885, C>T. VCF-style: chr5-138933885-C-T. GRCh37 (hg19) VCF-style: chr5-138269574-C-T.
Other names: c.*62C>T (NM_001290307.3, NM_001324002.1, NM_001324003.1 and 2 more transcripts); c.2208C>T, p.Ala736= (NM_001290309.3); c.2148C>T, p.Ala716= (NM_001290310.3); c.1407C>T, p.Ala469= (NM_001290312.1, NM_001323987.1, NM_001323988.1 and 12 more transcripts); c.2517C>T, p.Ala839= (NM_001323982.2, NM_001323983.1, NM_001323984.2); c.2490C>T, p.Ala830= (NM_001323985.2); c.2424C>T, p.Ala808= (NM_001323986.2); c.1272C>T, p.Ala424= (NM_001324001.1); and 3 more.
Identifiers: ClinVar variation 785202 (VCV000785202.15), dbSNP rs747946936, ClinGen allele CA3432259.